The following is an entry in ClinVar:

NM_001122630.2(CDKN1C):c.47C>T (p.Thr16Ile)

Gene: CDKN1C (cyclin dependent kinase inhibitor 1C; minus strand). Cytogenetic location: 11p15.4.
Variant type: single nucleotide variant.
Coding change: c.47C>T on transcript NM_001122630.2 (MANE Select); coding-DNA position 47, C replaced by T.
Protein change: p.Thr16Ile; replaces threonine 16 with isoleucine.
Molecular consequence: missense variant.
Genome position (GRCh38, 1-based): chr11:2,885,410, G>A on the plus strand (C>T on the coding strand, the complement: CDKN1C is on the minus strand). VCF-style: chr11-2885410-G-A. GRCh37 (hg19) VCF-style: chr11-2906640-G-A.
Other names: c.80C>T, p.Thr27Ile (NM_000076.2, NM_001362474.2); c.47C>T, p.Thr16Ile (NM_001122631.2, NM_001362475.2); short protein forms T27I, T16I.
Identifiers: ClinVar variation 843726 (VCV000843726.9), dbSNP rs1282995815, ClinGen allele CA379147852.
Genomic context (GRCh38, chr11:2,885,410, plus strand): 5'-TGCAGCTCGCGGCTCAGCTCCTCGTGGTCCACCGGCCCGAAGAGGCTGCGGCAGGCGCTG[G>A]TGCGCACTAGTACTGGGAAGGTCCCACGGGCGACAAGACGCTCCATCGTGGATGTGCTGC-3'
Protein context (NP_001116102.1, residues 6-26): ARGTFPVLVR[Thr16Ile]SACRSLFGPV

ClinVar aggregate classification (germline): Uncertain significance (1 of 4 stars; one submission).

Conditions:
Beckwith-Wiedemann syndrome (BWS). Also called: Exomphalos macroglossia gigantism syndrome; EMG SYNDROME. Identifiers: Orphanet 116, MedGen C0004903, MONDO:0007534, OMIM 130650.

Allele frequency attached by ClinVar (database versions not stated): TOPMed below 0.00001; gnomAD 0.00001.
gnomAD v4.1: 3 of 1,553,428 alleles (0.00019%); highest among the groups gnomAD compares: Non-Finnish European, 0.00026%; no homozygotes.

Submission:

Labcorp Genetics (formerly Invitae), Labcorp
Classification: Uncertain significance for Beckwith-Wiedemann syndrome. Last evaluated: 2025-09-08. Review status: criteria provided, single submitter. Criteria: Invitae Variant Classification Sherloc (09022015). Collection method: clinical testing. Allele origin: germline.
Comment: This sequence change replaces threonine, which is neutral and polar, with isoleucine, which is neutral and non-polar, at codon 27 of the CDKN1C protein (p.Thr27Ile). This variant is not present in population databases (gnomAD no frequency). This variant has not been reported in the literature in individuals affected with CDKN1C-related conditions. ClinVar contains an entry for this variant (Variation ID: 843726). Invitae Evidence Modeling of protein sequence and biophysical properties (such as structural, functional, and spatial information, amino acid conservation, physicochemical variation, residue mobility, and thermodynamic stability) indicates that this missense variant is not expected to disrupt CDKN1C protein function with a negative predictive value of 80%. In summary, the available evidence is currently insufficient to determine the role of this variant in disease. Therefore, it has been classified as a Variant of Uncertain Significance.